The following is an entry in ClinVar:

NM_003601.4(SMARCA5):c.2837A>C (p.Asn946Thr)

Gene: SMARCA5 (SNF2 related chromatin remodeling ATPase 5; plus strand). Cytogenetic location: 4q31.21.
Variant type: single nucleotide variant.
Coding change: c.2837A>C on transcript NM_003601.4 (MANE Select); coding-DNA position 2837, A replaced by C.
Protein change: p.Asn946Thr; replaces asparagine 946 with threonine.
Molecular consequence: missense variant.
Genome position (GRCh38, 1-based): chr4:143,547,992, A>C. VCF-style: chr4-143547992-A-C. GRCh37 (hg19) VCF-style: chr4-144469145-A-C.
Other names: short protein forms N946T.
Identifiers: ClinVar variation 3369486 (VCV003369486.1).
Genomic context (GRCh38, chr4:143,547,992, plus strand): 5'-GACGGTACAAAGCACCTTTTCATCAGCTGAGAATATCATATGGTACTAACAAAGGAAAAA[A>C]CTATACTGAAGAAGAAGATCGTTTTCTGATTTGTATGCTTCACAAACTTGGATTTGACAA-3'
Protein context (NP_003592.3, residues 936-956): RISYGTNKGK[Asn946Thr]YTEEEDRFLI

ClinVar aggregate classification (germline): Uncertain significance (1 of 4 stars; one submission).

Submission:

GeneDx
Classification: Uncertain significance. Last evaluated: 2024-02-21. Review status: criteria provided, single submitter. Criteria: GeneDx Variant Classification Process June 2021. Collection method: clinical testing. Allele origin: germline. Affected: yes.
Comment: Not observed at significant frequency in large population cohorts (gnomAD); In silico analysis supports that this missense variant has a deleterious effect on protein structure/function; Has not been previously published as pathogenic or benign to our knowledge